The following is an entry in ClinVar:

ClinVar aggregate classification (germline): Conflicting classifications of pathogenicity. Review status: criteria provided, conflicting classifications (1 of 4 stars). 4 submissions from 4 submitters: Uncertain significance (3); Likely benign (1). Last evaluated 2025-09-30.

Conditions:
Hereditary cancer-predisposing syndrome. Also called: Tumor predisposition; Neoplastic Syndromes, Hereditary; Hereditary neoplastic syndrome; Hereditary Cancer Syndrome. Identifiers: Orphanet 140162, MedGen C0027672, MeSH D009386, MONDO:0015356.
Hereditary breast ovarian cancer syndrome. Also called: Breast and ovarian cancer; BRCA1- and BRCA2-Associated Hereditary Breast and Ovarian Cancer; Hereditary breast and ovarian cancer syndrome (HBOC); Hereditary breast and ovarian cancer; Hereditary breast and/or ovarian cancer syndrome; Hereditary breast and ovarian cancer syndrome. Identifiers: Orphanet 145, MedGen C0677776, MeSH D061325, MONDO:0003582. Disease mechanism: loss of function.

Allele frequency attached by ClinVar (database versions not stated): TOPMed below 0.00001.

Submissions (4):

Color Diagnostics, LLC DBA Color Health
Classification: Uncertain significance for Hereditary cancer-predisposing syndrome. Last evaluated: 2025-09-30. Review status: criteria provided, single submitter. Criteria: ACMG Guidelines, 2015. Collection method: clinical testing. Allele origin: germline.
Comment: This missense variant replaces proline with glutamine at codon 3051 of the BRCA2 protein. Computational prediction suggests that this variant may not impact protein structure and function. Functional studies have reported that this variant does not impact BRCA2 in a haploid cell proliferation assay and in sensitivity assays to cisplatin and PARP inhibitor (PMID: 39779848, 39779857). To our knowledge, this variant has not been reported in individuals affected with BRCA2-related disorders in the literature. This variant has not been identified in the general population by the Genome Aggregation Database (gnomAD). The available evidence is insufficient to determine the role of this variant in disease conclusively. Therefore, this variant is classified as a Variant of Uncertain Significance.

Ambry Genetics
Classification: Likely benign for Hereditary cancer-predisposing syndrome. Last evaluated: 2025-05-15. Review status: criteria provided, single submitter. Criteria: Ambry Variant Classification Scheme 2023. Collection method: clinical testing. Allele origin: germline.

Labcorp Genetics (formerly Invitae), Labcorp
Classification: Uncertain significance for Hereditary breast ovarian cancer syndrome. Last evaluated: 2021-12-05. Review status: criteria provided, single submitter. Criteria: Invitae Variant Classification Sherloc (09022015). Collection method: clinical testing. Allele origin: germline.
Comment: This sequence change replaces proline, which is neutral and non-polar, with glutamine, which is neutral and polar, at codon 3051 of the BRCA2 protein (p.Pro3051Gln). This variant is not present in population databases (gnomAD no frequency). This variant has not been reported in the literature in individuals affected with BRCA2-related conditions. ClinVar contains an entry for this variant (Variation ID: 495517). Advanced modeling of protein sequence and biophysical properties (such as structural, functional, and spatial information, amino acid conservation, physicochemical variation, residue mobility, and thermodynamic stability) performed at Invitae indicates that this missense variant is not expected to disrupt BRCA2 protein function. In summary, the available evidence is currently insufficient to determine the role of this variant in disease. Therefore, it has been classified as a Variant of Uncertain Significance.

Women's Health and Genetics/Laboratory Corporation of America, LabCorp
Classification: Uncertain significance. Last evaluated: 2016-10-06. Review status: criteria provided, single submitter. Criteria: LabCorp Variant Classification Summary - May 2015. Collection method: clinical testing. Allele origin: germline.
Comment: Variant summary: The BRCA2 c.9152C>A (p.Pro3051Gln) variant involves the alteration of a conserved nucleotide. Pro3051 is located in the oligonucleotide/oligosaccharide-binding domain, and 5/5 in silico tools predict a damaging outcome for this variant. This variant was absent in 120696 control chromosomes and has not, to our knowledge, been reported in affected individuals via publications and/or reputable databases/clinical diagnostic laboratories; nor evaluated for functional impact by in vivo/vitro studies. Because of the absence of clinical information and the lack of functional studies, the variant is classified as a variant of uncertain significance (VUS) until additional information becomes available.

Literature cited by the submitters: PubMed 39779848 (cited by Color Diagnostics, LLC DBA Color Health); PubMed 39779857 (cited by Color Diagnostics, LLC DBA Color Health).

NM_000059.4(BRCA2):c.9152C>A (p.Pro3051Gln)

Gene: BRCA2 (BRCA2 DNA repair associated; plus strand). Cytogenetic location: 13q13.1.
Variant type: single nucleotide variant.
Coding change: c.9152C>A on transcript NM_000059.4 (MANE Select); coding-DNA position 9152, C replaced by A.
Protein change: p.Pro3051Gln; replaces proline 3051 with glutamine.
Molecular consequence: missense variant.
Genome position (GRCh38, 1-based): chr13:32,380,041, C>A. VCF-style: chr13-32380041-C-A. GRCh37 (hg19) VCF-style: chr13-32954178-C-A.
Other names: short protein forms P3051Q.
Identifiers: ClinVar variation 495517 (VCV000495517.15), dbSNP rs1555288537, ClinGen allele CA387757912.